The following is an entry in ClinVar:

NM_194255.4(SLC19A1):c.1771del (p.Gln591fs)

Gene: SLC19A1 (solute carrier family 19 member 1; minus strand). Cytogenetic location: 21q22.3.
Variant type: Deletion.
Coding change: c.1771del on transcript NM_194255.4 (MANE Select); coding-DNA position 1771, one base deleted (C; older notation c.1771delC).
Protein change: p.Gln591fs; shifts the reading frame from glutamine 591.
Molecular consequence: frameshift variant. On other transcripts: intron variant (2).
Genome position (GRCh38, 1-based): chr21:45,515,663, G deleted on the plus strand (C on the coding strand, the reverse complement: SLC19A1 is on the minus strand); the first of 2 consecutive G bases (chr21:45,515,663-45,515,664); deleting either gives the same sequence. VCF-style (leftmost placement, unchanged base first): chr21-45515662-TG-T. GRCh37 (hg19) VCF-style: chr21-46935576-TG-T.
Other names: c.1651del, p.Gln551fs (NM_001205207.3); c.1417del, p.Gln473fs (NM_001352510.2); c.1771del, p.Gln591fs (NM_001352512.2); c.1294-511del (NM_001352511.3, NM_001205206.4); short protein forms Q591fs, Q551fs, Q473fs.
Identifiers: ClinVar variation 2697096 (VCV002697096.3), dbSNP rs2517961370, ClinGen allele CA2697547583.
Genomic context (GRCh38, chr21:45,515,662, plus strand): 5'-GGTCGTGGGGATGCACTGAGGGCCGCCTGCAAAGTTACCACAGGGGCGCCCGAGAGTCAC[TG>T]GTTCACATTCTGAACACCGTCGCTTGGAAGACACTGCAAACCCAGCTTGCTGACACCAGG-3'

ClinVar aggregate classification (germline): Uncertain significance (1 of 4 stars; one submission).

Submission:

Labcorp Genetics (formerly Invitae), Labcorp
Classification: Uncertain significance. Last evaluated: 2023-11-18. Review status: criteria provided, single submitter. Criteria: Invitae Variant Classification Sherloc (09022015). Collection method: clinical testing. Allele origin: germline.
Comment: This sequence change results in a frameshift in the SLC19A1 gene (p.Gln591Serfs*9). While this is not anticipated to result in nonsense mediated decay, it is expected to disrupt the last 1 amino acid(s) of the SLC19A1 protein and extend the protein by 7 additional amino acid residues. This variant is not present in population databases (gnomAD no frequency). This variant has not been reported in the literature in individuals affected with SLC19A1-related conditions. In summary, the available evidence is currently insufficient to determine the role of this variant in disease. Therefore, it has been classified as a Variant of Uncertain Significance.